The following is an entry in ClinVar:

NM_005612.5(REST):c.1343T>C (p.Ile448Thr)

Gene: REST (RE1 silencing transcription factor; plus strand). Cytogenetic location: 4q12.
Variant type: single nucleotide variant.
Coding change: c.1343T>C on transcript NM_005612.5 (MANE Select); coding-DNA position 1343, T replaced by C.
Protein change: p.Ile448Thr; replaces isoleucine 448 with threonine.
Molecular consequence: missense variant.
Genome position (GRCh38, 1-based): chr4:56,930,201, T>C. VCF-style: chr4-56930201-T-C. GRCh37 (hg19) VCF-style: chr4-57796367-T-C.
Other names: c.1343T>C, p.Ile448Thr (NM_001193508.2, NM_001363453.3); short protein forms I448T.
Identifiers: ClinVar variation 1014552 (VCV001014552.7), dbSNP rs764285600, ClinGen allele CA97636417.

ClinVar aggregate classification (germline): Uncertain significance. Review status: criteria provided, multiple submitters, no conflicts (2 of 4 stars). 2 submissions from 2 submitters: Uncertain significance (2). Last evaluated 2025-11-13.

Conditions:
REST-related disorder. Also called: REST-related condition.

Allele frequency attached by ClinVar (database versions not stated): gnomAD exomes 0.00001 and 0.00004; gnomAD 0.00002; TOPMed 0.00003.

Submissions (2):

Labcorp Genetics (formerly Invitae), Labcorp
Classification: Uncertain significance. Last evaluated: 2025-11-13. Review status: criteria provided, single submitter. Criteria: Invitae Variant Classification Sherloc (09022015). Collection method: clinical testing. Allele origin: germline.
Comment: This sequence change replaces isoleucine, which is neutral and non-polar, with threonine, which is neutral and polar, at codon 448 of the REST protein (p.Ile448Thr). This variant is present in population databases (rs764285600, gnomAD 0.008%). This variant has not been reported in the literature in individuals affected with REST-related conditions. ClinVar contains an entry for this variant (Variation ID: 1014552). An algorithm developed to predict the effect of missense changes on protein structure and function outputs the following: PolyPhen-2: "Benign". The threonine amino acid residue is found in multiple mammalian species, which suggests that this missense change does not adversely affect protein function. In summary, the available evidence is currently insufficient to determine the role of this variant in disease. Therefore, it has been classified as a Variant of Uncertain Significance.

PreventionGenetics, part of Exact Sciences
Classification: Uncertain significance for REST-related condition. Last evaluated: 2023-01-05. Review status: criteria provided, single submitter. Criteria: ACMG Guidelines, 2015. Collection method: clinical testing. Allele origin: germline.
Comment: The REST c.1343T>C variant is predicted to result in the amino acid substitution p.Ile448Thr. To our knowledge, this variant has not been reported in the literature. This variant is reported in 0.0084% of alleles in individuals of African descent in gnomAD. At this time, the clinical significance of this variant is uncertain due to the absence of conclusive functional and genetic evidence.